The following is an entry in ClinVar:

NM_006279.5(ST3GAL3):c.751T>A (p.Ser251Thr)

Gene: ST3GAL3 (ST3 beta-galactoside alpha-2,3-sialyltransferase 3; plus strand). Cytogenetic location: 1p34.1.
Variant type: single nucleotide variant.
Coding change: c.751T>A on transcript NM_006279.5 (MANE Select); coding-DNA position 751, T replaced by A.
Protein change: p.Ser251Thr; replaces serine 251 with threonine.
Molecular consequence: missense variant. On other transcripts: non-coding transcript variant (6), intron variant (12).
Genome position (GRCh38, 1-based): chr1:43,920,410, T>A. VCF-style: chr1-43920410-T-A. GRCh37 (hg19) VCF-style: chr1-44386082-T-A.
Other names: c.658T>A, p.Ser220Thr (NM_001270460.2); c.796T>A, p.Ser266Thr (NM_001350619.2, NM_174964.4); c.751T>A, p.Ser251Thr (NM_001350620.2); c.472T>A, p.Ser158Thr (NM_001350621.2); c.958T>A, p.Ser320Thr (NM_174963.5); c.913T>A, p.Ser305Thr (NM_174968.5); c.703T>A, p.Ser235Thr (NM_174969.4); c.865T>A, p.Ser289Thr (NM_174971.5); and 12 more; short protein forms S235T, S289T, S305T, S320T, S220T, S158T, S251T, S266T.
Identifiers: ClinVar variation 864232 (VCV000864232.11), dbSNP rs2082833114, ClinGen allele CA340031334.

ClinVar aggregate classification (germline): Uncertain significance (1 of 4 stars; one submission).

Conditions:
Early-infantile DEE. Also called: Early infantile epileptic encephalopathy; Early infantile epileptic encephalopathy with suppression bursts; Ohtahara syndrome. Identifiers: Orphanet 1934, MedGen C0393706, MONDO:0800491.

Submission:

Labcorp Genetics (formerly Invitae), Labcorp
Classification: Uncertain significance for Early-infantile DEE. Last evaluated: 2019-12-23. Review status: criteria provided, single submitter. Criteria: Invitae Variant Classification Sherloc (09022015). Collection method: clinical testing. Allele origin: germline.
Comment: This variant is not present in population databases (ExAC no frequency). This sequence change replaces serine with threonine at codon 251 of the ST3GAL3 protein (p.Ser251Thr). The serine residue is moderately conserved and there is a small physicochemical difference between serine and threonine. This variant has not been reported in the literature in individuals with ST3GAL3-related conditions. In summary, the available evidence is currently insufficient to determine the role of this variant in disease. Therefore, it has been classified as a Variant of Uncertain Significance. Algorithms developed to predict the effect of missense changes on protein structure and function (SIFT, PolyPhen-2, Align-GVGD) all suggest that this variant is likely to be tolerated, but these predictions have not been confirmed by published functional studies and their clinical significance is uncertain.